The following is an entry in ClinVar:

ClinVar aggregate classification (germline): Likely benign. Review status: criteria provided, multiple submitters, no conflicts (2 of 4 stars). 2 submissions from 2 submitters: Likely benign (2). Last evaluated 2026-01-28.

Conditions:
Epilepsy. Also called: Seizure disorder. Identifiers: MedGen C0014544, MeSH D004827, MONDO:0005027.

gnomAD v4.1: 18 of 1,610,092 alleles (0.0011%); highest among the groups gnomAD compares: Middle Eastern, 0.017%; no homozygotes.

Submissions (2):

Labcorp Genetics (formerly Invitae), Labcorp
Classification: Likely benign for Epilepsy. Last evaluated: 2026-01-28. Review status: criteria provided, single submitter. Criteria: Invitae Variant Classification Sherloc (09022015). Collection method: clinical testing. Allele origin: germline.

CeGaT Center for Human Genetics Tuebingen
Classification: Likely benign. Last evaluated: 2023-09-01. Review status: criteria provided, single submitter. Criteria: CeGaT Center For Human Genetics Tuebingen Variant Classification Criteria Version 2. Collection method: clinical testing. Allele origin: germline. Affected: yes. Observed: 1 variant allele.
Comment: PIGQ: BP4, BP7

NM_004204.5(PIGQ):c.951C>T (p.Ala317=)

Gene: PIGQ (phosphatidylinositol glycan anchor biosynthesis class Q; plus strand). Cytogenetic location: 16p13.3.
Variant type: single nucleotide variant.
Coding change: c.951C>T on transcript NM_004204.5 (MANE Select); coding-DNA position 951, C replaced by T.
Protein change: p.Ala317=; no amino-acid change (alanine 317 retained).
Molecular consequence: synonymous variant.
Genome position (GRCh38, 1-based): chr16:578,387, C>T. VCF-style: chr16-578387-C-T. GRCh37 (hg19) VCF-style: chr16-628387-C-T.
Other names: c.951C>T, p.Ala317= (NM_148920.4).
Identifiers: ClinVar variation 1099702 (VCV001099702.32), dbSNP rs756903826, ClinGen allele CA7780063.